The following is an entry in ClinVar:

ClinVar aggregate classification (germline): Uncertain significance (1 of 4 stars; one submission).

Submission:

Labcorp Genetics (formerly Invitae), Labcorp
Classification: Uncertain significance. Last evaluated: 2022-01-03. Review status: criteria provided, single submitter. Criteria: Invitae Variant Classification Sherloc (09022015). Collection method: clinical testing. Allele origin: germline.
Comment: This sequence change replaces aspartic acid, which is acidic and polar, with glutamic acid, which is acidic and polar, at codon 537 of the UNC45A protein (p.Asp537Glu). This variant is not present in population databases (gnomAD no frequency). In summary, the available evidence is currently insufficient to determine the role of this variant in disease. Therefore, it has been classified as a Variant of Uncertain Significance. Algorithms developed to predict the effect of missense changes on protein structure and function output the following: SIFT: "Not Available"; PolyPhen-2: "Benign"; Align-GVGD: "Not Available". The glutamic acid amino acid residue is found in multiple mammalian species, which suggests that this missense change does not adversely affect protein function. This variant has not been reported in the literature in individuals affected with UNC45A-related conditions.

NM_018671.5(UNC45A):c.1611C>G (p.Asp537Glu)

Gene: UNC45A (unc-45 myosin chaperone A; plus strand). Cytogenetic location: 15q26.1.
Variant type: single nucleotide variant.
Coding change: c.1611C>G on transcript NM_018671.5 (MANE Select); coding-DNA position 1611, C replaced by G.
Protein change: p.Asp537Glu; replaces aspartic acid 537 with glutamic acid.
Molecular consequence: missense variant.
Genome position (GRCh38, 1-based): chr15:90,948,157, C>G. VCF-style: chr15-90948157-C-G. GRCh37 (hg19) VCF-style: chr15-91491387-C-G.
Other names: c.1566C>G, p.Asp522Glu (NM_001039675.2, NM_001323621.2); c.1611C>G, p.Asp537Glu (NM_001323619.1); c.1176C>G, p.Asp392Glu (NM_001323620.2); short protein forms D392E, D522E, D537E.
Identifiers: ClinVar variation 2072615 (VCV002072615.4), dbSNP rs2543161775, ClinGen allele CA393857487.
Genomic context (GRCh38, chr15:90,948,157, plus strand): 5'-GTACCCCCAATCCTGAGGGTCGTCCACTATCCTGCGTGTCCCCAGGTGGCTGTGCAATGA[C>G]CAGATCGACGCAGGCACTCGGCGCTGGGCAGTGGAGGGCCTGGCTTACCTGACCTTTGAT-3'
Protein context (NP_061141.2, residues 527-547): AKQCRKWLCN[Asp537Glu]QIDAGTRRWA